The following is an entry in ClinVar:

NM_004656.4(BAP1):c.827C>T (p.Ser276Phe)

Gene: BAP1 (BRCA1 associated deubiquitinase 1; minus strand). Cytogenetic location: 3p21.1.
Variant type: single nucleotide variant.
Coding change: c.827C>T on transcript NM_004656.4 (MANE Select); coding-DNA position 827, C replaced by T.
Protein change: p.Ser276Phe; replaces serine 276 with phenylalanine.
Molecular consequence: missense variant.
Genome position (GRCh38, 1-based): chr3:52,405,869, G>A on the plus strand (C>T on the coding strand, the complement: BAP1 is on the minus strand). VCF-style: chr3-52405869-G-A. GRCh37 (hg19) VCF-style: chr3-52439885-G-A.
Other names: c.773C>T, p.Ser258Phe (NM_001410772.1); short protein forms S258F, S276F.
Identifiers: ClinVar variation 4620773 (VCV004620773.1).

ClinVar aggregate classification (germline): Uncertain significance (1 of 4 stars; one submission).

Conditions:
Hereditary cancer-predisposing syndrome. Also called: Neoplastic Syndromes, Hereditary; Tumor predisposition; Hereditary Cancer Syndrome; Hereditary neoplastic syndrome. Identifiers: Orphanet 140162, MedGen C0027672, MeSH D009386, MONDO:0015356.

Submission:

Ambry Genetics
Classification: Uncertain significance for Hereditary cancer-predisposing syndrome. Last evaluated: 2025-11-24. Review status: criteria provided, single submitter. Criteria: Ambry Variant Classification Scheme 2023. Collection method: clinical testing. Allele origin: germline.
Comment: The p.S276F variant (also known as c.827C>T), located in coding exon 10 of the BAP1 gene, results from a C to T substitution at nucleotide position 827. The serine at codon 276 is replaced by phenylalanine, an amino acid with highly dissimilar properties. This amino acid position is conserved. In addition, this alteration is predicted to be tolerated by in silico analysis. Based on the available evidence, the clinical significance of this variant remains unclear.